The following is an entry in ClinVar:

ClinVar aggregate classification (germline): Uncertain significance. Review status: criteria provided, multiple submitters, no conflicts (2 of 4 stars). 4 submissions from 4 submitters: Uncertain significance (4). Last evaluated 2022-04-06.

Conditions:
Bardet-Biedl syndrome 2 (BBS2). Identifiers: Orphanet 110, MedGen C2936863, MONDO:0014432, OMIM 615981.
Retinitis pigmentosa 74 (RP74). Identifiers: Orphanet 791, MedGen C4225281, MONDO:0014692, OMIM 616562.
Bardet-Biedl syndrome (BBS). Identifiers: Orphanet 110, MedGen C0752166, MONDO:0015229.

Submissions (4):

New York Genome Center
Classification: Uncertain significance for Bardet-Biedl syndrome 2; Retinitis pigmentosa 74. Last evaluated: 2022-04-06. Review status: criteria provided, single submitter. Criteria: NYGC Assertion Criteria 2020. Collection method: clinical testing. Allele origin: germline. Observed: 1 heterozygote.

Labcorp Genetics (formerly Invitae), Labcorp
Classification: Uncertain significance for Bardet-Biedl syndrome. Last evaluated: 2022-03-09. Review status: criteria provided, single submitter. Criteria: Invitae Variant Classification Sherloc (09022015). Collection method: clinical testing. Allele origin: germline.
Comment: In summary, the available evidence is currently insufficient to determine the role of this variant in disease. Therefore, it has been classified as a Variant of Uncertain Significance. ClinVar contains an entry for this variant (Variation ID: 814000). This sequence change replaces leucine, which is neutral and non-polar, with proline, which is neutral and non-polar, at codon 221 of the BBS2 protein (p.Leu221Pro). This variant is not present in population databases (gnomAD no frequency). This missense change has been observed in individual(s) with Bardet-Biedl syndrome (PMID: 20177705). Algorithms developed to predict the effect of missense changes on protein structure and function (SIFT, PolyPhen-2, Align-GVGD) all suggest that this variant is likely to be disruptive.

Fulgent Genetics
Classification: Uncertain significance for Bardet-Biedl syndrome 2; Retinitis pigmentosa 74. Last evaluated: 2021-10-28. Review status: criteria provided, single submitter. Criteria: ACMG Guidelines, 2015. Collection method: clinical testing. Allele origin: unknown.

Broad Center for Mendelian Genomics, Broad Institute of MIT and Harvard
Classification: Uncertain significance for Retinitis pigmentosa 74. Last evaluated: 2018-12-03. Review status: criteria provided, single submitter. Criteria: ACMG Guidelines, 2015. Collection method: research. Allele origin: germline. Inheritance: Autosomal recessive inheritance. Affected: yes.
Comment: The presence of this variant in combination with a likely pathogenic variant increases the likelihood that the p.Leu221Pro variant is pathogenic. The p.Leu221Pro variant in BBS2 has not been previously reported in individuals with Retinitis Pigmentosa and was absent from large population studies. Computational prediction tools and conservation analyses suggest that this variant may impact the protein, though this information is not predictive enough to determine pathogenicity. In summary, the clinial significance of the p.Leu221Pro variant is uncertain. ACMG/AMP Criteria applied: PM2, PP3, PM3_Supporting (Richards 2015).

Literature cited by the submitters: PubMed 20177705 (cited by Labcorp Genetics (formerly Invitae), Labcorp).

NM_031885.5(BBS2):c.662T>C (p.Leu221Pro)

Gene: BBS2 (Bardet-Biedl syndrome 2; minus strand). Cytogenetic location: 16q13.
Variant type: single nucleotide variant.
Coding change: c.662T>C on transcript NM_031885.5 (MANE Select); coding-DNA position 662, T replaced by C.
Protein change: p.Leu221Pro; replaces leucine 221 with proline.
Molecular consequence: missense variant. On other transcripts: non-coding transcript variant (5).
Genome position (GRCh38, 1-based): chr16:56,506,175, A>G on the plus strand (T>C on the coding strand, the complement: BBS2 is on the minus strand). VCF-style: chr16-56506175-A-G. GRCh37 (hg19) VCF-style: chr16-56540087-A-G.
Other names: c.662T>C (NM_031885.4); c.662T>C, p.Leu221Pro (NM_001377456.1); short protein forms L221P.
Identifiers: ClinVar variation 814000 (VCV000814000.9), dbSNP rs1597020018, ClinGen allele CA395983060.